The following is an entry in ClinVar:

ClinVar aggregate classification (germline): Benign (1 of 4 stars; one submission).

Conditions:
Leigh syndrome (NULS). Also called: Leigh's necrotizing encephalopathy; Leigh's disease; Leigh Syndrome (mtDNA deletion); Leigh Disease; Subacute necrotizing encephalopathy; Necrotizing encephalopathy infantile subacute of Leigh. Identifiers: Orphanet 506, MedGen C2931891, MONDO:0009723, OMIM 256000.

Submission:

Wong Mito Lab, Molecular and Human Genetics, Baylor College of Medicine
Classification: Benign for Leigh syndrome. Last evaluated: 2019-10-17. Review status: criteria provided, single submitter. Criteria: Modified ACMG Guidelines (Unpublished). Collection method: clinical testing. Allele origin: germline.
Comment: The NC_012920.1:m.8508A>G (YP_003024030.1:p.Asn48Ser) variant in MTATP8 gene is interpretated to be a Benign variant based on the modified ACMG guidelines (unpublished). This variant meets the following evidence codes: BS1, BS2, BP4

NC_012920.1(MT-ATP8):m.8508A>G

Gene: MT-ATP8 (mitochondrially encoded ATP synthase 8; plus strand).
Variant type: single nucleotide variant.
Genome position: chrM-8508-A-G.
Identifiers: ClinVar variation 692882 (VCV000692882.1), dbSNP rs1603221548, ClinGen allele CA414796414.
Genomic context (GRCh38, chrMT:8,508, plus strand): 5'-TATTAAACACAAACTACCACCTACCTCCCTCACCAAAGCCCATAAAAATAAAAAATTATA[A>G]CAAACCCTGAGAACCAAAATGAACGAAAATCTGTTCGCTTCATTCATTGCCCCCACAATC-3'